The following is an entry in ClinVar:

ClinVar aggregate classification (germline): Uncertain significance. Review status: criteria provided, multiple submitters, no conflicts (2 of 4 stars). 2 submissions from 2 submitters: Uncertain significance (2). Last evaluated 2025-10-21.

Conditions:
Inborn genetic diseases. Identifiers: MedGen C0950123, MeSH D030342.

Allele frequency attached by ClinVar (database versions not stated): gnomAD exomes 0.00004 and 0.00008; ExAC 0.00009.
gnomAD v4.1: 23 of 1,583,178 alleles (0.0015%); highest among the groups gnomAD compares: Admixed American, 0.04%; no homozygotes.

Submissions (2):

Labcorp Genetics (formerly Invitae), Labcorp
Classification: Uncertain significance. Last evaluated: 2025-10-21. Review status: criteria provided, single submitter. Criteria: Invitae Variant Classification Sherloc (09022015). Collection method: clinical testing. Allele origin: germline.
Comment: This sequence change replaces methionine, which is neutral and non-polar, with isoleucine, which is neutral and non-polar, at codon 724 of the DDX58 protein (p.Met724Ile). This variant is present in population databases (rs779183751, gnomAD 0.06%), and has an allele count higher than expected for a pathogenic variant. This variant has not been reported in the literature in individuals affected with DDX58-related conditions. ClinVar contains an entry for this variant (Variation ID: 1353909). Invitae Evidence Modeling of protein sequence and biophysical properties (such as structural, functional, and spatial information, amino acid conservation, physicochemical variation, residue mobility, and thermodynamic stability) indicates that this missense variant is expected to disrupt DDX58 protein function with a positive predictive value of 80%. In summary, the available evidence is currently insufficient to determine the role of this variant in disease. Therefore, it has been classified as a Variant of Uncertain Significance.

Ambry Genetics
Classification: Uncertain significance for Inborn genetic diseases. Last evaluated: 2022-11-30. Review status: criteria provided, single submitter. Criteria: Ambry Variant Classification Scheme 2023. Collection method: clinical testing. Allele origin: germline.

NM_014314.4(RIGI):c.2172G>A (p.Met724Ile)

Gene: RIGI (RNA sensor RIG-I; minus strand). Cytogenetic location: 9p21.1.
Variant type: single nucleotide variant.
Coding change: c.2172G>A on transcript NM_014314.4 (MANE Select); coding-DNA position 2172, G replaced by A.
Protein change: p.Met724Ile; replaces methionine 724 with isoleucine.
Molecular consequence: missense variant. On other transcripts: intron variant (1).
Genome position (GRCh38, 1-based): chr9:32,467,775, C>T on the plus strand (G>A on the coding strand, the complement: RIGI is on the minus strand). VCF-style: chr9-32467775-C-T. GRCh37 (hg19) VCF-style: chr9-32467773-C-T.
Other names: c.2172G>A (NM_014314.3); c.2166G>A, p.Met722Ile (NM_001385907.1); c.1731G>A, p.Met577Ile (NM_001385910.1); c.1563G>A, p.Met521Ile (NM_001385912.1); c.2157G>A, p.Met719Ile (NM_001385913.1); c.1728G>A, p.Met576Ile (NM_001385914.1); c.2015-1334G>A (NM_001385909.1); short protein forms M577I, M521I, M724I, M576I, M719I, M722I.
Identifiers: ClinVar variation 1353909 (VCV001353909.9), dbSNP rs779183751, ClinGen allele CA5019577.